The following is an entry in ClinVar:

ClinVar aggregate classification (germline): Uncertain significance. Review status: criteria provided, multiple submitters, no conflicts (2 of 4 stars). 3 submissions from 3 submitters: Uncertain significance (3). Last evaluated 2025-11-25.

Conditions:
Cardiovascular phenotype. Identifiers: MedGen CN230736.
Long QT syndrome (LQTS). Identifiers: MedGen C0023976, MeSH D008133, MONDO:0002442. Disease mechanism: loss of function. Inheritance: Various modes of inheritance.

Allele frequency attached by ClinVar (database versions not stated): ExAC 0.00001; gnomAD 0.00003; TOPMed 0.00004; 1000 Genomes Project 30x 0.00016; 1000 Genomes Project 0.00020.
gnomAD v4.1: 21 of 1,613,926 alleles (0.0013%); highest among the groups gnomAD compares: African/African-American, 0.012%; no homozygotes.

Submissions (3):

Ambry Genetics
Classification: Uncertain significance for Cardiovascular phenotype. Last evaluated: 2025-11-25. Review status: criteria provided, single submitter. Criteria: Ambry Variant Classification Scheme 2023. Collection method: clinical testing. Allele origin: germline.
Comment: The p.G290E variant (also known as c.869G>A), located in coding exon 4 of the SNTA1 gene, results from a G to A substitution at nucleotide position 869. The glycine at codon 290 is replaced by glutamic acid, an amino acid with similar properties. This amino acid position is conserved. In addition, this alteration is predicted to be tolerated by in silico analysis. Since supporting evidence is limited at this time, the clinical significance of this alteration remains unclear.

Women's Health and Genetics/Laboratory Corporation of America, LabCorp
Classification: Uncertain significance. Last evaluated: 2024-01-22. Review status: criteria provided, single submitter. Criteria: LabCorp Variant Classification Summary - May 2015. Collection method: clinical testing. Allele origin: germline.

Labcorp Genetics (formerly Invitae), Labcorp
Classification: Uncertain significance for Long QT syndrome. Last evaluated: 2023-02-14. Review status: criteria provided, single submitter. Criteria: Invitae Variant Classification Sherloc (09022015). Collection method: clinical testing. Allele origin: germline.
Comment: This sequence change replaces glycine, which is neutral and non-polar, with glutamic acid, which is acidic and polar, at codon 290 of the SNTA1 protein (p.Gly290Glu). This variant is present in population databases (rs561768315, gnomAD 0.01%). In summary, the available evidence is currently insufficient to determine the role of this variant in disease. Therefore, it has been classified as a Variant of Uncertain Significance. Advanced modeling of protein sequence and biophysical properties (such as structural, functional, and spatial information, amino acid conservation, physicochemical variation, residue mobility, and thermodynamic stability) performed at Invitae indicates that this missense variant is not expected to disrupt SNTA1 protein function. ClinVar contains an entry for this variant (Variation ID: 1764340). This variant has not been reported in the literature in individuals affected with SNTA1-related conditions.

NM_003098.3(SNTA1):c.869G>A (p.Gly290Glu)

Gene: SNTA1 (syntrophin alpha 1; minus strand). Cytogenetic location: 20q11.21.
Variant type: single nucleotide variant.
Coding change: c.869G>A on transcript NM_003098.3 (MANE Select); coding-DNA position 869, G replaced by A.
Protein change: p.Gly290Glu; replaces glycine 290 with glutamic acid.
Molecular consequence: missense variant.
Genome position (GRCh38, 1-based): chr20:33,412,615, C>T on the plus strand (G>A on the coding strand, the complement: SNTA1 is on the minus strand). VCF-style: chr20-33412615-C-T. GRCh37 (hg19) VCF-style: chr20-32000421-C-T.
Other names: short protein forms G290E.
Identifiers: ClinVar variation 1764340 (VCV001764340.7), dbSNP rs561768315, ClinGen allele CA9817118.